The following is an entry in ClinVar:

ClinVar aggregate classification (germline): Uncertain significance (1 of 4 stars; one submission).

Conditions:
Paroxysmal nonkinesigenic dyskinesia. Also called: Paroxysmal non-kinesigenic dyskinesia. Identifiers: Orphanet 98810, MedGen C1869117, MONDO:0700088.

Allele frequency attached by ClinVar (database versions not stated): TOPMed below 0.00001.
gnomAD v4.1: 2 of 1,591,352 alleles (0.00013%); highest among the groups gnomAD compares: Non-Finnish European, 0.00017%; no homozygotes.

Submission:

Labcorp Genetics (formerly Invitae), Labcorp
Classification: Uncertain significance for Paroxysmal nonkinesigenic dyskinesia. Last evaluated: 2021-08-27. Review status: criteria provided, single submitter. Criteria: Invitae Variant Classification Sherloc (09022015). Collection method: clinical testing. Allele origin: germline.
Comment: This sequence change replaces proline with serine at codon 306 of the PNKD protein (p.Pro306Ser). The proline residue is moderately conserved and there is a moderate physicochemical difference between proline and serine. This variant is not present in population databases (ExAC no frequency). This variant has not been reported in the literature in individuals affected with PNKD-related conditions. Algorithms developed to predict the effect of missense changes on protein structure and function are either unavailable or do not agree on the potential impact of this missense change (SIFT: "Tolerated"; PolyPhen-2: "Possibly Damaging"; Align-GVGD: "Class C0"). In summary, the available evidence is currently insufficient to determine the role of this variant in disease. Therefore, it has been classified as a Variant of Uncertain Significance.

NM_015488.5(PNKD):c.916C>T (p.Pro306Ser)

Genes: CATIP-AS2 (CATIP antisense RNA 2; minus strand), PNKD (PNKD metallo-beta-lactamase domain containing; plus strand). Cytogenetic location: 2q35.
Variant type: single nucleotide variant.
Coding change: c.916C>T on transcript NM_015488.5 (MANE Select); coding-DNA position 916, C replaced by T.
Protein change: p.Pro306Ser; replaces proline 306 with serine.
Molecular consequence: missense variant.
Genome position (GRCh38, 1-based): chr2:218,344,502, C>T. VCF-style: chr2-218344502-C-T. GRCh37 (hg19) VCF-style: chr2-219209225-C-T.
Other names: c.844C>T, p.Pro282Ser (NM_022572.5); short protein forms P306S, P282S.
Identifiers: ClinVar variation 966658 (VCV000966658.6), dbSNP rs1247054660, ClinGen allele CA350542753.
Genomic context (GRCh38, chr2:218,344,502, plus strand): 5'-TGGCTGTCGGTAGGTCATGAGTATGCAGAGGAGAACCTGGGCTTTGCAGGTGTGGTGGAG[C>T]CCGAGAACCTGGCCCGGGAGAGGAAGATGCAGTGGGTGCAGCGGCAGCGGCTGGAGCGCA-3'
Protein context (NP_056303.3, residues 296-316): ENLGFAGVVE[Pro306Ser]ENLARERKMQ